The following is an entry in ClinVar:

ClinVar aggregate classification (germline): Uncertain significance (1 of 4 stars; one submission).

Submission:

GeneDx
Classification: Uncertain significance. Last evaluated: 2019-11-15. Review status: criteria provided, single submitter. Criteria: GeneDx Variant Classification Process June 2021. Collection method: clinical testing. Allele origin: germline. Affected: yes.
Comment: Not observed in large population cohorts (Lek et al., 2016); In silico analysis, which includes protein predictors and evolutionary conservation, supports that this variant does not alter protein structure/function; Has not been previously published as pathogenic or benign to our knowledge

NM_001372044.2(SHANK3):c.2849C>G (p.Ala950Gly)

Gene: SHANK3 (SH3 and multiple ankyrin repeat domains 3; plus strand). Cytogenetic location: 22q13.33.
Variant type: single nucleotide variant.
Coding change: c.2849C>G on transcript NM_001372044.2 (MANE Select); coding-DNA position 2849, C replaced by G.
Protein change: p.Ala950Gly; replaces alanine 950 with glycine.
Molecular consequence: missense variant.
Genome position (GRCh38, 1-based): chr22:50,720,457, C>G. VCF-style: chr22-50720457-C-G. GRCh37 (hg19) VCF-style: chr22-51158885-C-G.
Other names: c.2624C>G (NM_033517.1); short protein forms A950G.
Identifiers: ClinVar variation 1309978 (VCV001309978.2), dbSNP rs1326735946, ClinGen allele CA515259321.